The following is an entry in ClinVar:

ClinVar aggregate classification (germline): Uncertain significance (1 of 4 stars; one submission).

gnomAD v4.1: 3 of 1,613,768 alleles (0.00019%); highest among the groups gnomAD compares: East Asian, 0.0067%; no homozygotes.

Submission:

Labcorp Genetics (formerly Invitae), Labcorp
Classification: Uncertain significance. Last evaluated: 2024-12-12. Review status: criteria provided, single submitter. Criteria: Invitae Variant Classification Sherloc (09022015). Collection method: clinical testing. Allele origin: germline.
Comment: This sequence change replaces glutamine, which is neutral and polar, with arginine, which is basic and polar, at codon 449 of the LCA5 protein (p.Gln449Arg). This variant is not present in population databases (gnomAD no frequency). This variant has not been reported in the literature in individuals affected with LCA5-related conditions. Invitae Evidence Modeling of protein sequence and biophysical properties (such as structural, functional, and spatial information, amino acid conservation, physicochemical variation, residue mobility, and thermodynamic stability) has been performed for this missense variant. However, the output from this modeling did not meet the statistical confidence thresholds required to predict the impact of this variant on LCA5 protein function. In summary, the available evidence is currently insufficient to determine the role of this variant in disease. Therefore, it has been classified as a Variant of Uncertain Significance.

NM_001122769.3(LCA5):c.1346A>G (p.Gln449Arg)

Gene: LCA5 (lebercilin LCA5; minus strand). Cytogenetic location: 6q14.1.
Variant type: single nucleotide variant.
Coding change: c.1346A>G on transcript NM_001122769.3 (MANE Select); coding-DNA position 1346, A replaced by G.
Protein change: p.Gln449Arg; replaces glutamine 449 with arginine.
Molecular consequence: missense variant.
Genome position (GRCh38, 1-based): chr6:79,487,752, T>C on the plus strand (A>G on the coding strand, the complement: LCA5 is on the minus strand). VCF-style: chr6-79487752-T-C. GRCh37 (hg19) VCF-style: chr6-80197469-T-C.
Other names: c.1346A>G, p.Gln449Arg (NM_181714.4); short protein forms Q449R.
Identifiers: ClinVar variation 3705854 (VCV003705854.2).